The following is an entry in ClinVar:

ClinVar aggregate classification (germline): Uncertain significance (1 of 4 stars; one submission).

Conditions:
Cardiovascular phenotype. Identifiers: MedGen CN230736.

Submission:

Ambry Genetics
Classification: Uncertain significance for Cardiovascular phenotype. Last evaluated: 2026-06-12. Review status: criteria provided, single submitter. Criteria: Ambry Variant Classification Scheme 2023. Collection method: clinical testing. Allele origin: germline.
Comment: The p.H873Q variant (also known as c.2619C>A), located in coding exon 33 of the CACNA2D1 gene, results from a C to A substitution at nucleotide position 2619. The histidine at codon 873 is replaced by glutamine, an amino acid with highly similar properties. This amino acid position is conserved. In addition, this alteration is predicted to be tolerated by in silico analysis. Based on the available evidence, the clinical significance of this variant remains unclear.

NM_000722.4(CACNA2D1):c.2619C>A (p.His873Gln)

Gene: CACNA2D1 (calcium voltage-gated channel auxiliary subunit alpha2delta 1; minus strand). Cytogenetic location: 7q21.11.
Variant type: single nucleotide variant.
Coding change: c.2619C>A on transcript NM_000722.4 (MANE Select); coding-DNA position 2619, C replaced by A.
Protein change: p.His873Gln; replaces histidine 873 with glutamine.
Molecular consequence: missense variant.
Genome position (GRCh38, 1-based): chr7:81,964,315, G>T on the plus strand (C>A on the coding strand, the complement: CACNA2D1 is on the minus strand). VCF-style: chr7-81964315-G-T. GRCh37 (hg19) VCF-style: chr7-81593631-G-T.
Other names: c.2655C>A, p.His885Gln (NM_001366867.1); short protein forms H873Q, H885Q.
Identifiers: ClinVar variation 4868117 (VCV004868117.1).
Genomic context (GRCh38, chr7:81,964,315, plus strand): 5'-CTCACATACTGACTGATAATCATAAGATTTGTTAAAAGCATAAACTGATATATTAACCAG[G>T]TGTCTCATCAAGCTGGGATCAATCTCTCCAAAAAATCTTCCAATCTGGTGAAGAAAAAAA-3'
Protein context (NP_000713.2, residues 863-883): FGEIDPSLMR[His873Gln]LVNISVYAFN